The following is an entry in ClinVar:

ClinVar aggregate classification (germline): Uncertain significance (1 of 4 stars; one submission).

Conditions:
Hereditary cancer-predisposing syndrome. Also called: Neoplastic Syndromes, Hereditary; Tumor predisposition; Hereditary neoplastic syndrome; Hereditary Cancer Syndrome. Identifiers: Orphanet 140162, MedGen C0027672, MeSH D009386, MONDO:0015356.

Submission:

Ambry Genetics
Classification: Uncertain significance for Hereditary cancer-predisposing syndrome. Last evaluated: 2026-06-23. Review status: criteria provided, single submitter. Criteria: Ambry Variant Classification Scheme 2023. Collection method: clinical testing. Allele origin: germline.
Comment: The c.310_327del18 variant (also known as p.D104_K109del) is located in coding exon 3 of the CDH1 gene. This variant results from an in-frame GACTCCACCTACAGAAAG deletion at nucleotide positions 310 to 327. This results in the in-frame deletion of 6 amino acids at codons 104 to 109. This amino acid region is well conserved in available vertebrate species. In addition, this variant is predicted to be deleterious by in silico analysis (Choi Y et al. PLoS ONE. 2012; 7(10):e46688). Based on the available evidence, the clinical significance of this variant remains unclear.

NM_004360.5(CDH1):c.310_327del (p.Asp104_Lys109del)

Gene: CDH1 (cadherin 1; plus strand). Cytogenetic location: 16q22.1.
Variant type: Deletion.
Coding change: c.310_327del on transcript NM_004360.5 (MANE Select); coding-DNA positions 310 to 327, 18 bases deleted (GACTCCACCTACAGAAAG).
Protein change: p.Asp104_Lys109del.
Molecular consequence: 5 prime UTR variant (on NM_001317185.2).
Genome position (GRCh38, 1-based): chr16:68,801,816-68,801,833, GACTCCACCTACAGAAAG deleted; deleting any 18 consecutive bases within chr16:68,801,815-68,801,833 gives the same sequence; the c. name uses the placement nearest the transcript's 3' end. VCF-style (leftmost placement, unchanged base first): chr16-68801814-GGGACTCCACCTACAGAAA-G. GRCh37 (hg19) VCF-style: chr16-68835717-GGGACTCCACCTACAGAAA-G.
Other names: c.310_327del, p.Asp104_Lys109del (NM_001317184.2); c.-1306_-1289del (NM_001317185.2); c.-1510_-1493del (NM_001317186.2).
Identifiers: ClinVar variation 5033871 (VCV005033871.1).